The following is an entry in ClinVar:

NM_007279.3(U2AF2):c.384C>A (p.Asp128Glu)

Gene: U2AF2 (U2 small nuclear RNA auxiliary factor 2; plus strand). Cytogenetic location: 19q13.42.
Variant type: single nucleotide variant.
Coding change: c.384C>A on transcript NM_007279.3 (MANE Select); coding-DNA position 384, C replaced by A.
Protein change: p.Asp128Glu; replaces aspartic acid 128 with glutamic acid.
Molecular consequence: missense variant.
Genome position (GRCh38, 1-based): chr19:55,661,087, C>A. VCF-style: chr19-55661087-C-A. GRCh37 (hg19) VCF-style: chr19-56172453-C-A.
Other names: c.384C>A, p.Asp128Glu (NM_001012478.2); short protein forms D128E.
Identifiers: ClinVar variation 3373666 (VCV003373666.1).

ClinVar aggregate classification (germline): Uncertain significance (1 of 4 stars; one submission).

gnomAD v4.1: 3 of 1,609,954 alleles (0.00019%); highest among the groups gnomAD compares: Non-Finnish European, 0.00017%; no homozygotes.

Submission:

GeneDx
Classification: Uncertain significance. Last evaluated: 2024-03-03. Review status: criteria provided, single submitter. Criteria: GeneDx Variant Classification Process June 2021. Collection method: clinical testing. Allele origin: germline. Affected: yes.
Comment: Not observed at significant frequency in large population cohorts (gnomAD); In silico analysis supports that this missense variant does not alter protein structure/function; Has not been previously published as pathogenic or benign to our knowledge; In silico analysis suggests this variant may impact gene splicing. In the absence of RNA/functional studies, the actual effect of this sequence change is unknown.